The following is an entry in ClinVar:

ClinVar aggregate classification (germline): Uncertain significance (1 of 4 stars; one submission).

Submission:

Mayo Clinic Laboratories, Mayo Clinic
Classification: Uncertain significance. Last evaluated: 2025-02-05. Review status: criteria provided, single submitter. Criteria: ACMG Guidelines, 2015. Collection method: clinical testing. Allele origin: germline. Observed: 1 variant allele.
Comment: BP4, PM2_supporting

NM_000628.5(IL10RB):c.277T>G (p.Phe93Val)

Genes: IFNAR2-IL10RB (IFNAR2-IL10RB readthrough; plus strand), IL10RB (interleukin 10 receptor subunit beta; plus strand). Cytogenetic location: 21q22.11.
Variant type: single nucleotide variant.
Coding change: c.277T>G on transcript NM_000628.5 (MANE Select); coding-DNA position 277, T replaced by G.
Protein change: p.Phe93Val; replaces phenylalanine 93 with valine.
Molecular consequence: missense variant.
Genome position (GRCh38, 1-based): chr21:33,276,699, T>G. VCF-style: chr21-33276699-T-G. GRCh37 (hg19) VCF-style: chr21-34649004-T-G.
Other names: p.Phe93Val; c.937T>G, p.Phe313Val (NM_001414505.1); c.277T>G, p.Phe93Val (NM_001405849.1, NM_001405850.1, NM_001406840.1); short protein forms F313V, F93V.
Identifiers: ClinVar variation 4542408 (VCV004542408.1).